The following is an entry in ClinVar:

NM_000091.5(COL4A3):c.2736dup (p.Gly913fs)

Genes: COL4A3 (collagen type IV alpha 3 chain; plus strand), MFF-DT (MFF divergent transcript; minus strand). Cytogenetic location: 2q36.3.
Variant type: Duplication.
Coding change: c.2736dup on transcript NM_000091.5 (MANE Select); coding-DNA position 2736, one base duplicated (A; older notation c.2736dupA).
Protein change: p.Gly913fs; shifts the reading frame from glycine 913.
Molecular consequence: frameshift variant.
Genome position (GRCh38, 1-based): chr2:227,283,846, A duplicated. VCF-style (leftmost placement, unchanged base first): chr2-227283845-C-CA. GRCh37 (hg19) VCF-style: chr2-228148561-C-CA.
Other names: c.2736dupA (NM_000091.5); short protein forms G913fs.
Identifiers: ClinVar variation 4850501 (VCV004850501.1).

ClinVar aggregate classification (germline): Likely pathogenic (1 of 4 stars; one submission).

Conditions:
Alport syndrome 3b, autosomal recessive. Identifiers: MedGen C5882699, MONDO:0957811, OMIM 620536.

Submission:

Prenatal Diagnosis Center, The Affiliated Hospital of Qingdao University
Classification: Likely pathogenic for Alport syndrome 3b, autosomal recessive. Last evaluated: 2026-05-08. Review status: criteria provided, single submitter. Criteria: ACMG Guidelines, 2015. Collection method: clinical testing. Allele origin: germline. Inheritance: Autosomal recessive inheritance. Observed: 1 variant allele, 1 compound heterozygote.
Comment: The COL4A3 c.2736dupA variant is a frameshift alteration located in the collagenous domain of COL4A3. This variant is predicted to result in a frameshift, altering glycine 913 to arginine and introducing a premature termination codon 27 residues downstream, which likely leads to nonsense-mediated mRNA decay or production of a severely truncated, non-functional collagen IV α3 chain (PVS1). This variant is not present in large population databases such as gnomAD v4.0 (PM2). In summary, this variant meets criteria to be classified as Pathogenic for autosomal recessive Alport syndrome based on the ACMG/AMP criteria applied, as specified by the Alport syndrome ACMG refinement guidelines (Savige et al., 2021): PVS1, PM2, PP4.

Literature cited by the submitters: PubMed 33854215.